The following is an entry in ClinVar:

ClinVar aggregate classification (germline): Uncertain significance. Review status: criteria provided, multiple submitters, no conflicts (2 of 4 stars). 2 submissions from 2 submitters: Uncertain significance (2). Last evaluated 2025-02-25.

Conditions:
Werner syndrome (WRN). Identifiers: Orphanet 902, MedGen C0043119, MONDO:0010196, OMIM 277700.

Allele frequency attached by ClinVar (database versions not stated): gnomAD exomes below 0.00001; gnomAD 0.00001; TOPMed 0.00001.
gnomAD v4.1: 6 of 1,612,946 alleles (0.00037%); highest among the groups gnomAD compares: African/African-American, 0.0067%; no homozygotes.

Submissions (2):

Labcorp Genetics (formerly Invitae), Labcorp
Classification: Uncertain significance for Werner syndrome. Last evaluated: 2025-02-25. Review status: criteria provided, single submitter. Criteria: Invitae Variant Classification Sherloc (09022015). Collection method: clinical testing. Allele origin: germline.
Comment: This sequence change replaces serine, which is neutral and polar, with glycine, which is neutral and non-polar, at codon 1235 of the WRN protein (p.Ser1235Gly). This variant is present in population databases (no rsID available, gnomAD 0.01%). This variant has not been reported in the literature in individuals affected with WRN-related conditions. ClinVar contains an entry for this variant (Variation ID: 458466). An algorithm developed to predict the effect of missense changes on protein structure and function (PolyPhen-2) suggests that this variant is likely to be tolerated. Algorithms developed to predict the effect of sequence changes on RNA splicing suggest that this variant may disrupt the consensus splice site. In summary, the available evidence is currently insufficient to determine the role of this variant in disease. Therefore, it has been classified as a Variant of Uncertain Significance.

Fulgent Genetics
Classification: Uncertain significance for Werner syndrome. Last evaluated: 2024-03-01. Review status: criteria provided, single submitter. Criteria: ACMG Guidelines, 2015. Collection method: clinical testing. Allele origin: germline.

NM_000553.6(WRN):c.3703A>G (p.Ser1235Gly)

Gene: WRN (WRN RecQ like helicase; plus strand). Cytogenetic location: 8p12.
Variant type: single nucleotide variant.
Coding change: c.3703A>G on transcript NM_000553.6 (MANE Select); coding-DNA position 3703, A replaced by G.
Protein change: p.Ser1235Gly; replaces serine 1235 with glycine.
Molecular consequence: missense variant.
Genome position (GRCh38, 1-based): chr8:31,154,639, A>G. VCF-style: chr8-31154639-A-G. GRCh37 (hg19) VCF-style: chr8-31012155-A-G.
Other names: short protein forms S1235G.
Identifiers: ClinVar variation 458466 (VCV000458466.7), dbSNP rs769121831, ClinGen allele CA370928867.